The following is an entry in ClinVar:

ClinVar aggregate classification (germline): Pathogenic/Likely pathogenic. Review status: criteria provided, multiple submitters, no conflicts (2 of 4 stars). 5 submissions from 5 submitters: Pathogenic (3); Likely pathogenic (1). 1 of the submissions does not count toward it. Last evaluated 2025-07-06.

Conditions:
Epilepsy, early-onset, vitamin B6-dependent. Also called: PLPBP Deficiency; EPILEPSY, EARLY-ONSET, 1, VITAMIN B6-DEPENDENT. Identifiers: MedGen C4310632, MONDO:0015005, OMIM 617290.

Allele frequency attached by ClinVar (database versions not stated): gnomAD 0.00001 and 0.00002; TOPMed 0.00002; gnomAD exomes 0.00003; ExAC 0.00004.

Submissions (5):

Labcorp Genetics (formerly Invitae), Labcorp
Classification: Pathogenic. Last evaluated: 2025-07-06. Review status: criteria provided, single submitter. Criteria: Invitae Variant Classification Sherloc (09022015). Collection method: clinical testing. Allele origin: germline.
Comment: This sequence change replaces arginine, which is basic and polar, with glutamine, which is neutral and polar, at codon 241 of the PROSC protein (p.Arg241Gln). This variant is present in population databases (rs760609867, gnomAD 0.01%). This missense change has been observed in individual(s) with pyridoxine-dependent epilepsy (PMID: 27912044, 28391250, 33728241; external communication). In at least one individual the data is consistent with being in trans (on the opposite chromosome) from a pathogenic variant. ClinVar contains an entry for this variant (Variation ID: 374857). Invitae Evidence Modeling of protein sequence and biophysical properties (such as structural, functional, and spatial information, amino acid conservation, physicochemical variation, residue mobility, and thermodynamic stability) indicates that this missense variant is expected to disrupt PROSC protein function with a positive predictive value of 80%. Experimental studies have shown that this missense change affects PROSC function (PMID: 27912044, 29689137). For these reasons, this variant has been classified as Pathogenic.

GeneDx
Classification: Likely pathogenic. Last evaluated: 2025-03-07. Review status: criteria provided, single submitter. Criteria: GeneDx Variant Classification Process June 2021. Collection method: clinical testing. Allele origin: germline. Affected: yes.
Comment: Previously reported in probands with pyridoxine-dependent epilepsy, who harbored a second PLPBP variant on the opposite allele (PMID: 27912044, 28391250, 33728241); Published functional studies demonstrate a damaging effect on protein function (PMID: 29689137); Not observed at significant frequency in large population cohorts (gnomAD); In silico analysis supports that this missense variant has a deleterious effect on protein structure/function; This variant is associated with the following publications: (PMID: 28391250, 33425341, 31825581, 33728241, 29689137, 27912044)

Victorian Clinical Genetics Services, Murdoch Childrens Research Institute
Classification: Pathogenic for Epilepsy, early-onset, vitamin B6-dependent. Last evaluated: 2023-07-17. Review status: criteria provided, single submitter. Criteria: ACMG Guidelines, 2015. Collection method: clinical testing. Allele origin: germline. Inheritance: Autosomal recessive inheritance. Affected: yes.
Comment: Based on the classification scheme VCGS_Germline_v1.3.4, this variant is classified as Pathogenic. Following criteria are met: 0102 - Loss of function is a known mechanism of disease in this gene and is associated with epilepsy, early-onset, vitamin B6-dependent (MIM#617290). (I) 0106 - This gene is associated with autosomal recessive disease. (I) 0200 - Variant is predicted to result in a missense amino acid change from arginine to glutamine. (I) 0251 - This variant is heterozygous. (I) 0304 - Variant is present in gnomAD (v2) <0.01 for a recessive condition (7 heterozygotes, 0 homozygotes). (SP) 0501 - Missense variant consistently predicted to be damaging by multiple in silico tools or highly conserved with a major amino acid change. (SP) 0600 - Variant is located in the annotated alanine racemase, N-terminal domain (DECIPHER). (I) 0705 - No comparable missense variants have previous evidence for pathogenicity. (I) 0802 - This variant has moderate previous evidence of pathogenicity in unrelated individuals. This variant has been classified as pathogenic by a clinical laboratory in ClinVar, and has been observed as compound heterozygous in two individuals with vitamin-B6-dependent epilepsy (PMIDs: 27912044, 28391250). (SP) 0905 - No published segregation evidence has been identified for this variant. (I) 1002 - This variant has moderate functional evidence supporting abnormal protein function. Transfected and null bacteria demonstrated protein instability, and inability to rescue the mutant phenotype, respectively (PMIDs: 27912044, 28914444). (I) Legend: (SP) - Supporting pathogenic, (I) - Information, (SB) - Supporting benign

Revvity Omics, Revvity
Classification: Pathogenic for Epilepsy, early-onset, vitamin B6-dependent. Last evaluated: 2022-05-04. Review status: criteria provided, single submitter. Criteria: ACMG Guidelines, 2015. Collection method: clinical testing. Allele origin: germline.

OMIM
Classification: Pathogenic for EPILEPSY, EARLY-ONSET, 1, VITAMIN B6-DEPENDENT. Last evaluated: 2023-08-14. Review status: no assertion criteria provided. Collection method: literature only. Allele origin: germline. Not counted in ClinVar's aggregate classification.

Literature cited by the submitters: PubMed 27912044 (cited by 3 submitters); PubMed 28391250 (cited by Labcorp Genetics (formerly Invitae), Labcorp and Victorian Clinical Genetics Services, Murdoch Childrens Research Institute); PubMed 33728241 (cited by Labcorp Genetics (formerly Invitae), Labcorp); PubMed 29689137 (cited by Labcorp Genetics (formerly Invitae), Labcorp); PubMed 28914444 (cited by Victorian Clinical Genetics Services, Murdoch Childrens Research Institute).

NM_007198.4(PLPBP):c.722G>A (p.Arg241Gln)

Gene: PLPBP (pyridoxal phosphate binding protein; plus strand). Cytogenetic location: 8p11.23.
Variant type: single nucleotide variant.
Coding change: c.722G>A on transcript NM_007198.4 (MANE Select); coding-DNA position 722, G replaced by A.
Protein change: p.Arg241Gln; replaces arginine 241 with glutamine.
Molecular consequence: missense variant.
Genome position (GRCh38, 1-based): chr8:37,777,998, G>A. VCF-style: chr8-37777998-G-A. GRCh37 (hg19) VCF-style: chr8-37635516-G-A.
Other names: c.752G>A, p.Arg251Gln (NM_001349346.2); c.716G>A, p.Arg239Gln (NM_001349347.2); c.566G>A, p.Arg189Gln (NM_001349348.2); short protein forms R241Q, R239Q, R251Q, R189Q.
Identifiers: ClinVar variation 374857 (VCV000374857.14), dbSNP rs760609867, ClinGen allele CA4711352.